The following is an entry in ClinVar:

NM_014939.5(TRAPPC8):c.665G>T (p.Gly222Val)

Gene: TRAPPC8 (trafficking protein particle complex subunit 8; minus strand). Cytogenetic location: 18q12.1.
Variant type: single nucleotide variant.
Coding change: c.665G>T on transcript NM_014939.5 (MANE Select); coding-DNA position 665, G replaced by T.
Protein change: p.Gly222Val; replaces glycine 222 with valine.
Molecular consequence: missense variant.
Genome position (GRCh38, 1-based): chr18:31,913,475, C>A on the plus strand (G>T on the coding strand, the complement: TRAPPC8 is on the minus strand). VCF-style: chr18-31913475-C-A. GRCh37 (hg19) VCF-style: chr18-29493438-C-A.
Other names: short protein forms G222V.
Identifiers: ClinVar variation 2648633 (VCV002648633.24), dbSNP rs2037002929, ClinGen allele CA402159369.

ClinVar aggregate classification (germline): Uncertain significance (1 of 4 stars; one submission).

Allele frequency attached by ClinVar (database versions not stated): TOPMed below 0.00001.

Submission:

CeGaT Center for Human Genetics Tuebingen
Classification: Uncertain significance. Last evaluated: 2022-09-01. Review status: criteria provided, single submitter. Criteria: CeGaT Center For Human Genetics Tuebingen Variant Classification Criteria Version 2. Collection method: clinical testing. Allele origin: germline. Affected: yes. Observed: 1 variant allele.
Comment: TRAPPC8: PM2